The following is an entry in ClinVar:

NM_001005273.3(CHD3):c.4453C>T (p.Arg1485Cys)

Gene: CHD3 (chromodomain helicase DNA binding protein 3; plus strand). Cytogenetic location: 17p13.1.
Variant type: single nucleotide variant.
Coding change: c.4453C>T on transcript NM_001005273.3 (MANE Select); coding-DNA position 4453, C replaced by T.
Protein change: p.Arg1485Cys; replaces arginine 1485 with cysteine.
Molecular consequence: missense variant.
Genome position (GRCh38, 1-based): chr17:7,906,647, C>T. VCF-style: chr17-7906647-C-T. GRCh37 (hg19) VCF-style: chr17-7809965-C-T.
Other names: c.4630C>T, p.Arg1544Cys (NM_001005271.3); c.4453C>T, p.Arg1485Cys (NM_005852.4); short protein forms R1485C, R1544C.
Identifiers: ClinVar variation 3372720 (VCV003372720.1).

ClinVar aggregate classification (germline): Uncertain significance (1 of 4 stars; one submission).

gnomAD v4.1: 5 of 1,613,370 alleles (0.00031%); highest among the groups gnomAD compares: Non-Finnish European, 0.00034%; no homozygotes.

Submission:

GeneDx
Classification: Uncertain significance. Last evaluated: 2024-04-29. Review status: criteria provided, single submitter. Criteria: GeneDx Variant Classification Process June 2021. Collection method: clinical testing. Allele origin: germline. Affected: yes.
Comment: In silico analysis supports that this missense variant has a deleterious effect on protein structure/function; Has not been previously published as pathogenic or benign to our knowledge